The following is an entry in ClinVar:

NM_033026.6(PCLO):c.7801A>G (p.Ile2601Val)

Gene: PCLO (piccolo presynaptic cytomatrix protein; minus strand). Cytogenetic location: 7q21.11.
Variant type: single nucleotide variant.
Coding change: c.7801A>G on transcript NM_033026.6 (MANE Select); coding-DNA position 7801, A replaced by G.
Protein change: p.Ile2601Val; replaces isoleucine 2601 with valine.
Molecular consequence: missense variant.
Genome position (GRCh38, 1-based): chr7:82,953,152, T>C on the plus strand (A>G on the coding strand, the complement: PCLO is on the minus strand). VCF-style: chr7-82953152-T-C. GRCh37 (hg19) VCF-style: chr7-82582468-T-C.
Other names: c.7801A>G, p.Ile2601Val (NM_014510.3); short protein forms I2601V.
Identifiers: ClinVar variation 2096564 (VCV002096564.4), dbSNP rs778498784, ClinGen allele CA4320245.
Genomic context (GRCh38, chr7:82,953,152, plus strand): 5'-AAAACACAGGTTCAACAGAAACCAGATCTTTGGAGGGTGATCCCAAGGGCCAACTGGTAA[T>C]TGCTTGACTAGCAGAAGAATCTGTTGGAGTCCCTGGTTCAGATGGCAATGTAATAACTAC-3'
Protein context (NP_149015.2, residues 2591-2611): TPTDSSASQA[Ile2601Val]TSWPLGSPSK

ClinVar aggregate classification (germline): Uncertain significance (1 of 4 stars; one submission).

Allele frequency attached by ClinVar (database versions not stated): gnomAD exomes below 0.00001; ExAC 0.00001.
gnomAD v4.1: 6 of 1,613,910 alleles (0.00037%); highest among the groups gnomAD compares: East Asian, 0.0089%; no homozygotes.

Submission:

Labcorp Genetics (formerly Invitae), Labcorp
Classification: Uncertain significance. Last evaluated: 2022-03-29. Review status: criteria provided, single submitter. Criteria: Invitae Variant Classification Sherloc (09022015). Collection method: clinical testing. Allele origin: germline.
Comment: In summary, the available evidence is currently insufficient to determine the role of this variant in disease. Therefore, it has been classified as a Variant of Uncertain Significance. Algorithms developed to predict the effect of missense changes on protein structure and function output the following: SIFT: "Tolerated"; PolyPhen-2: "Not Available"; Align-GVGD: "Class C0". The valine amino acid residue is found in multiple mammalian species, which suggests that this missense change does not adversely affect protein function. This variant has not been reported in the literature in individuals affected with PCLO-related conditions. This variant is present in population databases (rs778498784, gnomAD 0.006%). This sequence change replaces isoleucine, which is neutral and non-polar, with valine, which is neutral and non-polar, at codon 2601 of the PCLO protein (p.Ile2601Val).